The following is an entry in ClinVar:

ClinVar aggregate classification (germline): Pathogenic/Likely pathogenic. Review status: criteria provided, multiple submitters, no conflicts (2 of 4 stars). 5 submissions from 5 submitters: Pathogenic (3); Likely pathogenic (2). Last evaluated 2025-11-10.

Conditions:
Temple-Baraitser syndrome (TMBTS). Also called: Severe mental retardation and absent nails of hallux and pollex. Identifiers: Orphanet 420561, MedGen C2678486, MONDO:0012735, OMIM 611816.
KCNH1-related disorder. Also called: KCNH1-related disorders; KCNH1-related condition.

Allele frequency attached by ClinVar (database versions not stated): gnomAD exomes below 0.00001.
gnomAD v4.1: 1 of 1,614,018 alleles (0.000062%); highest among the groups gnomAD compares: Non-Finnish European, 0.000085%; no homozygotes.

Submissions (5):

Labcorp Genetics (formerly Invitae), Labcorp
Classification: Pathogenic. Last evaluated: 2025-11-10. Review status: criteria provided, single submitter. Criteria: Invitae Variant Classification Sherloc (09022015). Collection method: clinical testing. Allele origin: germline.
Comment: This sequence change replaces arginine, which is basic and polar, with tryptophan, which is neutral and slightly polar, at codon 357 of the KCNH1 protein (p.Arg357Trp). This variant is not present in population databases (gnomAD no frequency). This missense change has been observed in individual(s) with early onset epilepsy (PMID: 36285361). In at least one individual the variant was observed to be de novo. ClinVar contains an entry for this variant (Variation ID: 1493344). Invitae Evidence Modeling of protein sequence and biophysical properties (such as structural, functional, and spatial information, amino acid conservation, physicochemical variation, residue mobility, and thermodynamic stability) has been performed for this missense variant. However, the output from this modeling did not meet the statistical confidence thresholds required to predict the impact of this variant on KCNH1 protein function. This variant disrupts the p.Arg357 amino acid residue in KCNH1. Other variant(s) that disrupt this residue have been determined to be pathogenic (PMID: 23020937, 26264464). This suggests that this residue is clinically significant, and that variants that disrupt this residue are likely to be disease-causing. For these reasons, this variant has been classified as Pathogenic.

GeneDx
Classification: Pathogenic. Last evaluated: 2025-02-05. Review status: criteria provided, single submitter. Criteria: GeneDx Variant Classification Process June 2021. Collection method: clinical testing. Allele origin: germline. Affected: yes.
Comment: Not observed at significant frequency in large population cohorts (gnomAD); In silico analysis supports that this missense variant has a deleterious effect on protein structure/function; This variant is associated with the following publications: (PMID: 36285361, 37817707, 26818738, 26264464)

Institute of Human Genetics, University of Leipzig Medical Center
Classification: Pathogenic for Temple-Baraitser syndrome. Last evaluated: 2023-03-09. Review status: criteria provided, single submitter. Criteria: ACMG Guidelines, 2015. Collection method: clinical testing. Allele origin: de novo. Inheritance: Autosomal dominant inheritance. Affected: yes.
Comment: Criteria applied: PM5_STR,PS4_MOD,PS2_SUP,PM2_SUP,PP2,PP3

Blueprint Genetics
Classification: Likely pathogenic for KCNH1-related disorders. Last evaluated: 2020-12-20. Review status: criteria provided, single submitter. Criteria: ACMG Guidelines, 2015. Collection method: clinical testing. Allele origin: germline. Affected: yes. Observed: 1 variant allele.

Dept of Pediatrics, Guizhou Children's Hospital, Affiliated Hospital of Zunyi Medical University
Classification: Likely pathogenic for Temple-Baraitser syndrome. Review status: criteria provided, single submitter. Criteria: ACMG Guidelines, 2015. Collection method: clinical testing. Allele origin: de novo. Inheritance: Autosomal dominant inheritance. Affected: yes.

Literature cited by the submitters: PubMed 36285361 (cited by Labcorp Genetics (formerly Invitae), Labcorp); PubMed 23020937 (cited by Labcorp Genetics (formerly Invitae), Labcorp); PubMed 26264464 (cited by Labcorp Genetics (formerly Invitae), Labcorp).

NM_172362.3(KCNH1):c.1069C>T (p.Arg357Trp)

Gene: KCNH1 (potassium voltage-gated channel subfamily H member 1; minus strand). Cytogenetic location: 1q32.2.
Variant type: single nucleotide variant.
Coding change: c.1069C>T on transcript NM_172362.3 (MANE Select); coding-DNA position 1069, C replaced by T.
Protein change: p.Arg357Trp; replaces arginine 357 with tryptophan.
Molecular consequence: missense variant.
Genome position (GRCh38, 1-based): chr1:210,920,033, G>A on the plus strand (C>T on the coding strand, the complement: KCNH1 is on the minus strand). VCF-style: chr1-210920033-G-A. GRCh37 (hg19) VCF-style: chr1-211093375-G-A.
Other names: c.988C>T, p.Arg330Trp (NM_002238.4); c.1069C>T (NM_172362.2); short protein forms R330W, R357W.
Identifiers: ClinVar variation 1493344 (VCV001493344.15), dbSNP rs2102561827, ClinGen allele CA344874185.
Genomic context (GRCh38, chr1:210,920,033, plus strand): 5'-CAGCTCCATATTCAATGTAGTGGTCCAGCTTACGGGCCACTCGCCCAAGACGGAGCAGCC[G>A]GACAACTTTTAGAGAGCTGAACAGGCTGCTGATGCCCTGGGAGAAGAGGAACACAGCGTC-3'
Protein context (NP_758872.1, residues 347-367): SSLFSSLKVV[Arg357Trp]LLRLGRVARK